The following is an entry in ClinVar:

NM_173689.7(CRB2):c.3101C>T (p.Ala1034Val)

Gene: CRB2 (crumbs cell polarity complex component 2; plus strand). Cytogenetic location: 9q33.3.
Variant type: single nucleotide variant.
Coding change: c.3101C>T on transcript NM_173689.7 (MANE Select); coding-DNA position 3101, C replaced by T.
Protein change: p.Ala1034Val; replaces alanine 1034 with valine.
Molecular consequence: missense variant. On other transcripts: non-coding transcript variant (1).
Genome position (GRCh38, 1-based): chr9:123,373,632, C>T. VCF-style: chr9-123373632-C-T. GRCh37 (hg19) VCF-style: chr9-126135911-C-T.
Other names: short protein forms A1034V.
Identifiers: ClinVar variation 4690320 (VCV004690320.1).
Genomic context (GRCh38, chr9:123,373,632, plus strand): 5'-TGGGCCGCGTGGCGCTGGGCGGCCTGCCCCTGCCCTTGGCGCGGCCCCGGCCCGGCGCGG[C>T]CCCTGGCGCCCGAGAGCACTTCGCGTCTTGGCCTGGGACGCCGGCCCCGATCCTCGGCTG-3'
Protein context (NP_775960.4, residues 1024-1044): LPLARPRPGA[Ala1034Val]PGAREHFASW

ClinVar aggregate classification (germline): Uncertain significance (1 of 4 stars; one submission).

gnomAD v4.1: 1 of 1,371,214 alleles (0.000073%); highest among the groups gnomAD compares: East Asian, 0.0031%; no homozygotes.

Submission:

Labcorp Genetics (formerly Invitae), Labcorp
Classification: Uncertain significance. Last evaluated: 2025-06-14. Review status: criteria provided, single submitter. Criteria: Invitae Variant Classification Sherloc (09022015). Collection method: clinical testing. Allele origin: germline.
Comment: This sequence change replaces alanine, which is neutral and non-polar, with valine, which is neutral and non-polar, at codon 1034 of the CRB2 protein (p.Ala1034Val). This variant is not present in population databases (gnomAD no frequency). This variant has not been reported in the literature in individuals affected with CRB2-related conditions. Invitae Evidence Modeling of protein sequence and biophysical properties (such as structural, functional, and spatial information, amino acid conservation, physicochemical variation, residue mobility, and thermodynamic stability) indicates that this missense variant is not expected to disrupt CRB2 protein function with a negative predictive value of 80%. In summary, the available evidence is currently insufficient to determine the role of this variant in disease. Therefore, it has been classified as a Variant of Uncertain Significance.